The following is an entry in ClinVar:

NM_001458.5(FLNC):c.4288G>C (p.Gly1430Arg)

Gene: FLNC (filamin C; plus strand). Cytogenetic location: 7q32.1.
Variant type: single nucleotide variant.
Coding change: c.4288G>C on transcript NM_001458.5 (MANE Select); coding-DNA position 4288, G replaced by C.
Protein change: p.Gly1430Arg; replaces glycine 1430 with arginine.
Molecular consequence: missense variant.
Genome position (GRCh38, 1-based): chr7:128,846,905, G>C. VCF-style: chr7-128846905-G-C. GRCh37 (hg19) VCF-style: chr7-128486959-G-C.
Other names: c.4288G>C, p.Gly1430Arg (NM_001127487.2); short protein forms G1430R.
Identifiers: ClinVar variation 3850785 (VCV003850785.3).

ClinVar aggregate classification (germline): Uncertain significance. Review status: criteria provided, multiple submitters, no conflicts (2 of 4 stars). 2 submissions from 2 submitters: Uncertain significance (2). Last evaluated 2025-02-18.

Conditions:
Distal myopathy with posterior leg and anterior hand involvement. Also called: WILLIAMS DISTAL MYOPATHY. Identifiers: Orphanet 63273, MedGen C3279722, MONDO:0013550, OMIM 614065.
Hypertrophic cardiomyopathy 26. Also called: Cardiomyopathy, familial hypertrophic, 26. Identifiers: Orphanet 75249, MedGen C4310749, MONDO:0014883, OMIM 617047.
Myofibrillar myopathy 5. Also called: Filaminopathy (type); FILAMINOPATHY, AUTOSOMAL DOMINANT. Identifiers: Orphanet 171445, MedGen C1836050, MONDO:0012289, OMIM 609524.
Cardiovascular phenotype. Identifiers: MedGen CN230736.

Submissions (2):

Ambry Genetics
Classification: Uncertain significance for Cardiovascular phenotype. Last evaluated: 2025-02-18. Review status: criteria provided, single submitter. Criteria: Ambry Variant Classification Scheme 2023. Collection method: clinical testing. Allele origin: germline.
Comment: The c.4288G>C variant (also known as p.G1430R), located in coding exon 24 of the FLNC gene, results from a G to C substitution at nucleotide position 4288. The amino acid change results in glycine to arginine at codon 1430, an amino acid with dissimilar properties. However, this change occurs in the last base pair of coding exon 24, which makes it likely to have some effect on normal mRNA splicing. This nucleotide position is highly conserved in available vertebrate species. This amino acid position is highly conserved in available vertebrate species. In silico splice site analysis predicts that this alteration will weaken the native splice donor site. In addition, as a missense substitution this is predicted to be deleterious by in silico analysis. Based on the available evidence, the clinical significance of this variant remains unclear.

Juno Genomics, Hangzhou Juno Genomics, Inc
Classification: Uncertain significance for Myofibrillar myopathy 5; Hypertrophic cardiomyopathy 26; Distal myopathy with posterior leg and anterior hand involvement. Review status: criteria provided, single submitter. Criteria: ACMG Guidelines, 2015. Collection method: clinical testing. Allele origin: germline. Affected: yes.
Comment: Absent from controls (or at extremely low frequency if recessive) in Genome Aggregation Database, Exome Sequencing Project, 1000 Genomes Project, or Exome Aggregation Consortium.;Multiple lines of computational evidence support a deleterious effect on the gene or gene product (conservation, evolutionary, splicing impact, etc).;Missense variant in a gene that has a low rate of benign missense variation and where missense variants are a common mechanism of disease.